The following is an entry in ClinVar:

ClinVar aggregate classification (germline): Uncertain significance. Review status: criteria provided, multiple submitters, no conflicts (2 of 4 stars). 2 submissions from 2 submitters: Uncertain significance (2). Last evaluated 2025-11-12.

Conditions:
Cardiovascular phenotype. Identifiers: MedGen CN230736.
Long QT syndrome (LQTS). Identifiers: MedGen C0023976, MeSH D008133, MONDO:0002442. Disease mechanism: loss of function. Inheritance: Various modes of inheritance.

Allele frequency attached by ClinVar (database versions not stated): ExAC 0.00001; gnomAD exomes 0.00001 and 0.00002.
gnomAD v4.1: 22 of 1,613,774 alleles (0.0014%); highest among the groups gnomAD compares: Non-Finnish European, 0.0018%; no homozygotes.

Submissions (2):

Ambry Genetics
Classification: Uncertain significance for Cardiovascular phenotype. Last evaluated: 2025-11-12. Review status: criteria provided, single submitter. Criteria: Ambry Variant Classification Scheme 2023. Collection method: clinical testing. Allele origin: germline.

Labcorp Genetics (formerly Invitae), Labcorp
Classification: Uncertain significance for Long QT syndrome. Last evaluated: 2025-11-05. Review status: criteria provided, single submitter. Criteria: Invitae Variant Classification Sherloc (09022015). Collection method: clinical testing. Allele origin: germline.
Comment: This sequence change replaces valine, which is neutral and non-polar, with isoleucine, which is neutral and non-polar, at codon 1649 of the AKAP9 protein (p.Val1649Ile). This variant is present in population databases (rs756966573, gnomAD 0.007%). This variant has not been reported in the literature in individuals affected with AKAP9-related conditions. ClinVar contains an entry for this variant (Variation ID: 1022507). An algorithm developed to predict the effect of missense changes on protein structure and function (PolyPhen-2) suggests that this variant is likely to be disruptive. In summary, the available evidence is currently insufficient to determine the role of this variant in disease. Therefore, it has been classified as a Variant of Uncertain Significance.

NM_005751.5(AKAP9):c.4945G>A (p.Val1649Ile)

Genes: AKAP9 (A-kinase anchoring protein 9; plus strand), LOC121175350 (Sharpr-MPRA regulatory region 2641; plus strand). Cytogenetic location: 7q21.2.
Variant type: single nucleotide variant.
Coding change: c.4945G>A on transcript NM_005751.5 (MANE Select); coding-DNA position 4945, G replaced by A.
Protein change: p.Val1649Ile; replaces valine 1649 with isoleucine.
Molecular consequence: missense variant.
Genome position (GRCh38, 1-based): chr7:92,042,073, G>A. VCF-style: chr7-92042073-G-A. GRCh37 (hg19) VCF-style: chr7-91671387-G-A.
Other names: c.4945G>A, p.Val1649Ile (NM_147185.3); short protein forms V1649I.
Identifiers: ClinVar variation 1022507 (VCV001022507.12), dbSNP rs756966573, ClinGen allele CA4336699.
Genomic context (GRCh38, chr7:92,042,073, plus strand): 5'-CAGTATTCTTTCATGACCTTTTTTCTTATTTAGAGATCCTCCATAGATAATGAAAACCTG[G>A]TTTCAGAGAGAGAGAGGGTGCTTTTAGAGGAGCTGGAAGCACTAAAGCAGCTGTCTTTAG-3'
Protein context (NP_005742.4, residues 1639-1659): QRSSIDNENL[Val1649Ile]SERERVLLEE